The following is an entry in ClinVar:

ClinVar aggregate classification (germline): Uncertain significance (1 of 4 stars; one submission).

Allele frequency attached by ClinVar (database versions not stated): gnomAD 0.00001; 1000 Genomes Project 30x 0.00016; 1000 Genomes Project 0.00020.
gnomAD v4.1: 12 of 1,613,188 alleles (0.00074%); highest among the groups gnomAD compares: South Asian, 0.013%; no homozygotes.

Submission:

Labcorp Genetics (formerly Invitae), Labcorp
Classification: Uncertain significance. Last evaluated: 2025-07-30. Review status: criteria provided, single submitter. Criteria: Invitae Variant Classification Sherloc (09022015). Collection method: clinical testing. Allele origin: germline.
Comment: This sequence change replaces proline, which is neutral and non-polar, with histidine, which is basic and polar, at codon 846 of the PDE6B protein (p.Pro846His). This variant is present in population databases (rs540571001, gnomAD 0.01%). This variant has not been reported in the literature in individuals affected with PDE6B-related conditions. ClinVar contains an entry for this variant (Variation ID: 1057744). Invitae Evidence Modeling of protein sequence and biophysical properties (such as structural, functional, and spatial information, amino acid conservation, physicochemical variation, residue mobility, and thermodynamic stability) has been performed for this missense variant. However, the output from this modeling did not meet the statistical confidence thresholds required to predict the impact of this variant on PDE6B protein function. In summary, the available evidence is currently insufficient to determine the role of this variant in disease. Therefore, it has been classified as a Variant of Uncertain Significance.

NM_000283.4(PDE6B):c.2537C>A (p.Pro846His)

Gene: PDE6B (phosphodiesterase 6B; plus strand). Cytogenetic location: 4p16.3.
Variant type: single nucleotide variant.
Coding change: c.2537C>A on transcript NM_000283.4 (MANE Select); coding-DNA position 2537, C replaced by A.
Protein change: p.Pro846His; replaces proline 846 with histidine.
Molecular consequence: missense variant. On other transcripts: synonymous variant (2).
Genome position (GRCh38, 1-based): chr4:670,079, C>A. VCF-style: chr4-670079-C-A. GRCh37 (hg19) VCF-style: chr4-663868-C-A.
Other names: c.2534C>A, p.Pro845His (NM_001145291.2); c.1700C>A, p.Pro567His (NM_001145292.2, NM_001379246.1, NM_001379247.1); c.1635C>A, p.Thr545= (NM_001350154.3); c.1317C>A, p.Thr439= (NM_001350155.3); short protein forms P567H, P845H, P846H.
Identifiers: ClinVar variation 1057744 (VCV001057744.9), dbSNP rs540571001, ClinGen allele CA2795111.